The following is an entry in ClinVar:

ClinVar aggregate classification (germline): Uncertain significance (1 of 4 stars; one submission).

Conditions:
Neutropenia, severe congenital, 1, autosomal dominant. Identifiers: MedGen C1859966, MONDO:0042490, OMIM 202700.
Cyclical neutropenia. Also called: Cyclic hematopoiesis; Cyclic Neutropenia. Identifiers: Orphanet 2686, MedGen C0221023, MONDO:0008090, OMIM 162800, HP:0040289. Disease mechanism: loss of function.

Submission:

Labcorp Genetics (formerly Invitae), Labcorp
Classification: Uncertain significance for Neutropenia, severe congenital, 1, autosomal dominant; Cyclical neutropenia. Last evaluated: 2025-02-14. Review status: criteria provided, single submitter. Criteria: Invitae Variant Classification Sherloc (09022015). Collection method: clinical testing. Allele origin: germline.
Comment: This sequence change replaces proline, which is neutral and non-polar, with leucine, which is neutral and non-polar, at codon 205 of the ELANE protein (p.Pro205Leu). This variant is not present in population databases (gnomAD no frequency). This variant has not been reported in the literature in individuals affected with ELANE-related conditions. Invitae Evidence Modeling of protein sequence and biophysical properties (such as structural, functional, and spatial information, amino acid conservation, physicochemical variation, residue mobility, and thermodynamic stability) indicates that this missense variant is expected to disrupt ELANE protein function with a positive predictive value of 95%. In summary, the available evidence is currently insufficient to determine the role of this variant in disease. Therefore, it has been classified as a Variant of Uncertain Significance.

NM_001972.4(ELANE):c.614C>T (p.Pro205Leu)

Gene: ELANE (elastase, neutrophil expressed; plus strand). Cytogenetic location: 19p13.3.
Variant type: single nucleotide variant.
Coding change: c.614C>T on transcript NM_001972.4 (MANE Select); coding-DNA position 614, C replaced by T.
Protein change: p.Pro205Leu; replaces proline 205 with leucine.
Molecular consequence: missense variant.
Genome position (GRCh38, 1-based): chr19:855,974, C>T. VCF-style: chr19-855974-C-T. GRCh37 (hg19) VCF-style: chr19-855974-C-T.
Other names: short protein forms P205L.
Identifiers: ClinVar variation 3760550 (VCV003760550.2).
Genomic context (GRCh38, chr19:855,974, plus strand): 5'-CAGGGCCTCGCAGTCCAGCTTCCCCACCTTGTCTGCCTCCACAGGGGGACTCCGGCAGCC[C>T]CTTGGTCTGCAACGGGCTAATCCACGGAATTGCCTCCTTCGTCCGGGGAGGCTGCGCCTC-3'
Protein context (NP_001963.1, residues 195-215): AGVCFGDSGS[Pro205Leu]LVCNGLIHGI